The following is an entry in ClinVar:

ClinVar aggregate classification (germline): Uncertain significance (1 of 4 stars; one submission).

Allele frequency attached by ClinVar (database versions not stated): gnomAD exomes below 0.00001.
gnomAD v4.1: 1 of 1,613,844 alleles (0.000062%); highest among the groups gnomAD compares: Non-Finnish European, 0.000085%; no homozygotes.

Submission:

GeneDx
Classification: Uncertain significance. Last evaluated: 2022-11-01. Review status: criteria provided, single submitter. Criteria: GeneDx Variant Classification Process June 2021. Collection method: clinical testing. Allele origin: germline. Affected: yes.
Comment: Not observed at significant frequency in large population cohorts (gnomAD); In silico analysis supports that this missense variant has a deleterious effect on protein structure/function; Has not been previously published as pathogenic or benign to our knowledge

NM_017780.4(CHD7):c.4319A>G (p.Gln1440Arg)

Gene: CHD7 (chromodomain helicase DNA binding protein 7; plus strand). Cytogenetic location: 8q12.2.
Variant type: single nucleotide variant.
Coding change: c.4319A>G on transcript NM_017780.4 (MANE Select); coding-DNA position 4319, A replaced by G.
Protein change: p.Gln1440Arg; replaces glutamine 1440 with arginine.
Molecular consequence: missense variant. On other transcripts: intron variant (1).
Genome position (GRCh38, 1-based): chr8:60,837,801, A>G. VCF-style: chr8-60837801-A-G. GRCh37 (hg19) VCF-style: chr8-61750360-A-G.
Other names: c.1717-24428A>G (NM_001316690.1); short protein forms Q1440R.
Identifiers: ClinVar variation 2500402 (VCV002500402.1), dbSNP rs2487911200, ClinGen allele CA371317947.